The following is an entry in ClinVar:

NM_001369268.1(ACAN):c.856C>G (p.Leu286Val)

Gene: ACAN (aggrecan; plus strand). Cytogenetic location: 15q26.1.
Variant type: single nucleotide variant.
Coding change: c.856C>G on transcript NM_001369268.1 (MANE Select); coding-DNA position 856, C replaced by G.
Protein change: p.Leu286Val; replaces leucine 286 with valine.
Molecular consequence: missense variant.
Genome position (GRCh38, 1-based): chr15:88,843,453, C>G. VCF-style: chr15-88843453-C-G. GRCh37 (hg19) VCF-style: chr15-89386684-C-G.
Other names: c.856C>G, p.Leu286Val (NM_001135.4, NM_001411096.1, NM_001411097.1 and 1 more transcripts); short protein forms L286V.
Identifiers: ClinVar variation 1720986 (VCV001720986.5), dbSNP rs774028386, ClinGen allele CA393707675.
Genomic context (GRCh38, chr15:88,843,453, plus strand): 5'-TTCCAGGAAGCAGCCAATGAGTGCCGGCGGCTGGGTGCCCGGCTGGCCACCACGGGCCAG[C>G]TCTACCTGGCCTGGCAGGCTGGCATGGACATGTGCAGCGCCGGCTGGCTGGCCGACCGCA-3'
Protein context (NP_001356197.1, residues 276-296): LGARLATTGQ[Leu286Val]YLAWQAGMDM

ClinVar aggregate classification (germline): Uncertain significance (1 of 4 stars; one submission).

gnomAD v4.1: 1 of 1,611,218 alleles (0.000062%); highest among the groups gnomAD compares: South Asian, 0.0011%; no homozygotes.

Submission:

Labcorp Genetics (formerly Invitae), Labcorp
Classification: Uncertain significance. Last evaluated: 2022-10-04. Review status: criteria provided, single submitter. Criteria: Invitae Variant Classification Sherloc (09022015). Collection method: clinical testing. Allele origin: germline.
Comment: In summary, the available evidence is currently insufficient to determine the role of this variant in disease. Therefore, it has been classified as a Variant of Uncertain Significance. Advanced modeling of protein sequence and biophysical properties (such as structural, functional, and spatial information, amino acid conservation, physicochemical variation, residue mobility, and thermodynamic stability) performed at Invitae indicates that this missense variant is not expected to disrupt ACAN protein function. This variant has not been reported in the literature in individuals affected with ACAN-related conditions. This variant is present in population databases (no rsID available, gnomAD 0.003%). This sequence change replaces leucine, which is neutral and non-polar, with valine, which is neutral and non-polar, at codon 286 of the ACAN protein (p.Leu286Val).